The following is an entry in ClinVar:

NM_014244.5(ADAMTS2):c.1737G>A (p.Thr579=)

Gene: ADAMTS2 (ADAM metallopeptidase with thrombospondin type 1 motif 2; minus strand). Cytogenetic location: 5q35.3.
Variant type: single nucleotide variant.
Coding change: c.1737G>A on transcript NM_014244.5 (MANE Select); coding-DNA position 1737, G replaced by A.
Protein change: p.Thr579=; no amino-acid change (threonine 579 retained).
Molecular consequence: synonymous variant.
Genome position (GRCh38, 1-based): chr5:179,139,928, C>T on the plus strand (G>A on the coding strand, the complement: ADAMTS2 is on the minus strand). VCF-style: chr5-179139928-C-T. GRCh37 (hg19) VCF-style: chr5-178566929-C-T.
Identifiers: ClinVar variation 3234474 (VCV003234474.21), dbSNP rs775505564, ClinGen allele CA3595796.

ClinVar aggregate classification (germline): Likely benign. Review status: criteria provided, multiple submitters, no conflicts (2 of 4 stars). 2 submissions from 2 submitters: Likely benign (2). Last evaluated 2024-04-12.

Allele frequency attached by ClinVar (database versions not stated): TOPMed below 0.00001; gnomAD 0.00001; ExAC 0.00002.
gnomAD v4.1: 26 of 1,612,696 alleles (0.0016%); highest among the groups gnomAD compares: East Asian, 0.0045%; no homozygotes.

Submissions (2):

Blueprint Genetics
Classification: Likely benign. Last evaluated: 2024-04-12. Review status: criteria provided, single submitter. Criteria: ACMG Guidelines, 2015. Collection method: clinical testing. Allele origin: germline.

CeGaT Center for Human Genetics Tuebingen
Classification: Likely benign. Last evaluated: 2024-04-01. Review status: criteria provided, single submitter. Criteria: CeGaT Center For Human Genetics Tuebingen Variant Classification Criteria Version 2. Collection method: clinical testing. Allele origin: germline. Affected: yes. Observed: 1 variant allele.
Comment: ADAMTS2: BP4, BP7